The following is an entry in ClinVar:

NM_001261826.3(AP3D1):c.2524A>G (p.Lys842Glu)

Gene: AP3D1 (adaptor related protein complex 3 subunit delta 1; minus strand). Cytogenetic location: 19p13.3.
Variant type: single nucleotide variant.
Coding change: c.2524A>G on transcript NM_001261826.3 (MANE Select); coding-DNA position 2524, A replaced by G.
Protein change: p.Lys842Glu; replaces lysine 842 with glutamic acid.
Molecular consequence: missense variant.
Genome position (GRCh38, 1-based): chr19:2,114,202, T>C on the plus strand (A>G on the coding strand, the complement: AP3D1 is on the minus strand). VCF-style: chr19-2114202-T-C. GRCh37 (hg19) VCF-style: chr19-2114201-T-C.
Other names: p.Lys842Glu; c.2524A>G, p.Lys842Glu (NM_001374799.1, NM_003938.8); c.2524A>G (NM_003938.5); short protein forms K842E.
Identifiers: ClinVar variation 1477461 (VCV001477461.9), dbSNP rs746288708, ClinGen allele CA9058825.

ClinVar aggregate classification (germline): Uncertain significance. Review status: criteria provided, multiple submitters, no conflicts (2 of 4 stars). 4 submissions from 4 submitters: Uncertain significance (4). Last evaluated 2025-08-12.

Conditions:
Inborn genetic diseases. Identifiers: MedGen C0950123, MeSH D030342.

Allele frequency attached by ClinVar (database versions not stated): gnomAD 0.00002; gnomAD exomes 0.00003 and 0.00004; TOPMed 0.00003; ExAC 0.00005.
gnomAD v4.1: 64 of 1,611,928 alleles (0.004%); highest among the groups gnomAD compares: Middle Eastern, 0.016%; no homozygotes.

Submissions (4):

Labcorp Genetics (formerly Invitae), Labcorp
Classification: Uncertain significance. Last evaluated: 2025-08-12. Review status: criteria provided, single submitter. Criteria: Invitae Variant Classification Sherloc (09022015). Collection method: clinical testing. Allele origin: germline.
Comment: This sequence change replaces lysine, which is basic and polar, with glutamic acid, which is acidic and polar, at codon 842 of the AP3D1 protein (p.Lys842Glu). This variant is present in population databases (rs746288708, gnomAD 0.006%). This variant has not been reported in the literature in individuals affected with AP3D1-related conditions. ClinVar contains an entry for this variant (Variation ID: 1477461). An algorithm developed to predict the effect of missense changes on protein structure and function (PolyPhen-2) suggests that this variant is likely to be disruptive. In summary, the available evidence is currently insufficient to determine the role of this variant in disease. Therefore, it has been classified as a Variant of Uncertain Significance.

Ambry Genetics
Classification: Uncertain significance for Inborn genetic diseases. Last evaluated: 2025-03-09. Review status: criteria provided, single submitter. Criteria: Ambry Variant Classification Scheme 2023. Collection method: clinical testing. Allele origin: germline.

Blueprint Genetics
Classification: Uncertain significance. Last evaluated: 2024-09-30. Review status: criteria provided, single submitter. Criteria: ACMG Guidelines, 2015. Collection method: clinical testing. Allele origin: germline.

Mayo Clinic Laboratories, Mayo Clinic
Classification: Uncertain significance. Last evaluated: 2024-03-28. Review status: criteria provided, single submitter. Criteria: ACMG Guidelines, 2015. Collection method: clinical testing. Allele origin: germline. Observed: 1 variant allele.
Comment: BP4